The following is an entry in ClinVar:

NM_001184.4(ATR):c.3785A>C (p.Lys1262Thr)

Gene: ATR (ATR serine/threonine kinase; minus strand). Cytogenetic location: 3q23.
Variant type: single nucleotide variant.
Coding change: c.3785A>C on transcript NM_001184.4 (MANE Select); coding-DNA position 3785, A replaced by C.
Protein change: p.Lys1262Thr; replaces lysine 1262 with threonine.
Molecular consequence: missense variant.
Genome position (GRCh38, 1-based): chr3:142,536,142, T>G on the plus strand (A>C on the coding strand, the complement: ATR is on the minus strand). VCF-style: chr3-142536142-T-G. GRCh37 (hg19) VCF-style: chr3-142254984-T-G.
Other names: c.3593A>C, p.Lys1198Thr (NM_001354579.2); short protein forms K1262T, K1198T.
Identifiers: ClinVar variation 3463204 (VCV003463204.1).
Genomic context (GRCh38, chr3:142,536,142, plus strand): 5'-TAAACCACAAATTAAAAATTAAATACCTTTCTGTATTCCTGGAGAACGGCTTTTATCTTT[T>G]TTAATTCTGGATGATCAGGTAAAAAATATATTTCATGAAGAAAATCTTGCACAGCATCCC-3'
Protein context (NP_001175.2, residues 1252-1272): IYFLPDHPEL[Lys1262Thr]KIKAVLQEYR

ClinVar aggregate classification (germline): Uncertain significance (1 of 4 stars; one submission).

Conditions:
Inborn genetic diseases. Identifiers: MedGen C0950123, MeSH D030342.

Submission:

Ambry Genetics
Classification: Uncertain significance for Inborn genetic diseases. Last evaluated: 2024-10-25. Review status: criteria provided, single submitter. Criteria: Ambry Variant Classification Scheme 2023. Collection method: clinical testing. Allele origin: germline.
Comment: The p.K1262T variant (also known as c.3785A>C), located in coding exon 20 of the ATR gene, results from an A to C substitution at nucleotide position 3785. The lysine at codon 1262 is replaced by threonine, an amino acid with similar properties. This amino acid position is conserved. In addition, this alteration is predicted to be tolerated by in silico analysis. Based on the available evidence, the clinical significance of this variant remains unclear.